The following is an entry in ClinVar:

ClinVar aggregate classification (germline): Pathogenic (1 of 4 stars; one submission).

Submission:

GeneDx
Classification: Pathogenic. Last evaluated: 2018-09-28. Review status: criteria provided, single submitter. Criteria: GeneDx Variant Classification (06012015). Collection method: clinical testing. Allele origin: germline. Affected: yes.
Comment: The W371X nonsense variant in the PTPN11 gene has not been published as a pathogenic variant, nor has it been reported as a benign variant to our knowledge. This pathogenic variant is predicted to cause loss of normal protein function either through protein truncation or nonsense-mediated mRNA decay. The W371X variant is not observed in large population cohorts (Lek et al., 2016). Based on currently available evidence, we consider W371X to be pathogenic.

NM_002834.5(PTPN11):c.1112G>A (p.Trp371Ter)

Gene: PTPN11 (protein tyrosine phosphatase non-receptor type 11; plus strand). Cytogenetic location: 12q24.13.
Variant type: single nucleotide variant.
Coding change: c.1112G>A on transcript NM_002834.5 (MANE Select); coding-DNA position 1112, G replaced by A.
Protein change: p.Trp371Ter; replaces tryptophan 371 with a stop codon.
Molecular consequence: nonsense.
Genome position (GRCh38, 1-based): chr12:112,482,093, G>A. VCF-style: chr12-112482093-G-A. GRCh37 (hg19) VCF-style: chr12-112919897-G-A.
Other names: c.1112G>A, p.Trp371Ter (NM_001330437.2, NM_080601.3); c.1109G>A, p.Trp370Ter (NM_001374625.1); short protein forms W371*, W370*.
Identifiers: ClinVar variation 504424 (VCV000504424.2), dbSNP rs1555270113, ClinGen allele CA386775560.